The following is an entry in ClinVar:

NM_052947.4(ALPK2):c.6350C>T (p.Ala2117Val)

Gene: ALPK2 (alpha kinase 2; minus strand). Cytogenetic location: 18q21.31.
Variant type: single nucleotide variant.
Coding change: c.6350C>T on transcript NM_052947.4 (MANE Select); coding-DNA position 6350, C replaced by T.
Protein change: p.Ala2117Val; replaces alanine 2117 with valine.
Molecular consequence: missense variant.
Genome position (GRCh38, 1-based): chr18:58,481,986, G>A on the plus strand (C>T on the coding strand, the complement: ALPK2 is on the minus strand). VCF-style: chr18-58481986-G-A. GRCh37 (hg19) VCF-style: chr18-56149218-G-A.
Other names: short protein forms A2117V.
Identifiers: ClinVar variation 3228852 (VCV003228852.1), dbSNP rs2518842752, ClinGen allele CA402538684.

ClinVar aggregate classification (germline): Uncertain significance (1 of 4 stars; one submission).

Submission:

Ambry Genetics
Classification: Uncertain significance. Last evaluated: 2024-02-06. Review status: criteria provided, single submitter. Criteria: Ambry Variant Classification Scheme 2023. Collection method: clinical testing. Allele origin: germline.
Comment: The p.A2117V variant (also known as c.6350C>T), located in coding exon 12 of the ALPK2 gene, results from a C to T substitution at nucleotide position 6350. The alanine at codon 2117 is replaced by valine, an amino acid with similar properties. This amino acid position is conserved. In addition, this alteration is predicted to be tolerated by in silico analysis. Based on the available evidence, the clinical significance of this alteration remains unclear.